The following is an entry in ClinVar:

NM_001379110.1(SLC9A6):c.190dup (p.Leu64fs)

Gene: SLC9A6 (solute carrier family 9 member A6; plus strand). Cytogenetic location: Xq26.3.
Variant type: Duplication.
Coding change: c.190dup on transcript NM_001379110.1 (MANE Select); coding-DNA position 190, one base duplicated (C; older notation c.190dupC).
Protein change: p.Leu64fs; shifts the reading frame from leucine 64.
Molecular consequence: frameshift variant.
Genome position (GRCh38, 1-based): chrX:135,994,806, C duplicated. VCF-style (leftmost placement, unchanged base first): chrX-135994805-G-GC. GRCh37 (hg19) VCF-style: chrX-135076964-G-GC.
Other names: c.346dupC (NM_001042537.1, NM_006359.2); c.346dup, p.Leu116fs (NM_001042537.2, NM_006359.3); c.190dup, p.Leu64fs (NM_001177651.2, NM_001330652.2); c.346dup (NM_006359.2); short protein forms L64fs, L116fs.
Identifiers: ClinVar variation 207251 (VCV000207251.3), dbSNP rs796053293, ClinGen allele CA318543.

ClinVar aggregate classification (germline): Pathogenic (1 of 4 stars; one submission).

Submission:

GeneDx
Classification: Pathogenic. Last evaluated: 2023-03-10. Review status: criteria provided, single submitter. Criteria: GeneDx Variant Classification Process June 2021. Collection method: clinical testing. Allele origin: germline. Affected: yes.
Comment: Frameshift variant predicted to result in protein truncation or nonsense mediated decay in a gene for which loss of function is a known mechanism of disease; Not observed at significant frequency in large population cohorts (gnomAD); This variant is associated with the following publications: (PMID: 29655203)